The following is an entry in ClinVar:

ClinVar aggregate classification (germline): Pathogenic (1 of 4 stars; one submission).

Conditions:
Neonatal-onset encephalopathy with rigidity and seizures. Also called: Lethal neonatal spasticity-epileptic encephalopathy syndrome. Identifiers: Orphanet 435845, MedGen C3281029, MONDO:0013784, OMIM 614498.

Submission:

Labcorp Genetics (formerly Invitae), Labcorp
Classification: Pathogenic for Neonatal-onset encephalopathy with rigidity and seizures. Last evaluated: 2023-07-30. Review status: criteria provided, single submitter. Criteria: Invitae Variant Classification Sherloc (09022015). Collection method: clinical testing. Allele origin: germline.
Comment: For these reasons, this variant has been classified as Pathogenic. This variant disrupts a region of the BRAT1 protein in which other variant(s) (p.Gly765Argfs*6) have been determined to be pathogenic (PMID: 32565546; Invitae). This suggests that this is a clinically significant region of the protein, and that variants that disrupt it are likely to be disease-causing. This variant has not been reported in the literature in individuals affected with BRAT1-related conditions. This variant is not present in population databases (gnomAD no frequency). This sequence change creates a premature translational stop signal (p.Leu594Trpfs*9) in the BRAT1 gene. While this is not anticipated to result in nonsense mediated decay, it is expected to disrupt the last 228 amino acid(s) of the BRAT1 protein.

Literature cited by the submitters: PubMed 32565546.

NM_152743.4(BRAT1):c.1780del (p.Leu594fs)

Gene: BRAT1 (BRCA1 associated ATM activator 1; minus strand). Cytogenetic location: 7p22.3.
Variant type: Deletion.
Coding change: c.1780del on transcript NM_152743.4 (MANE Select); coding-DNA position 1780, one base deleted (C; older notation c.1780delC).
Protein change: p.Leu594fs; shifts the reading frame from leucine 594.
Molecular consequence: frameshift variant. On other transcripts: non-coding transcript variant (1).
Genome position (GRCh38, 1-based): chr7:2,538,755, G deleted on the plus strand (C on the coding strand, the reverse complement: BRAT1 is on the minus strand); the first of 2 consecutive G bases (chr7:2,538,755-2,538,756); deleting either gives the same sequence. VCF-style (leftmost placement, unchanged base first): chr7-2538754-AG-A. GRCh37 (hg19) VCF-style: chr7-2578388-AG-A.
Other names: c.1960del, p.Leu654fs (NM_001350626.2); c.1255del, p.Leu419fs (NM_001350627.2); short protein forms L594fs, L419fs, L654fs.
Identifiers: ClinVar variation 2991514 (VCV002991514.3), dbSNP rs1418921410, ClinGen allele CA837023963.